The following is an entry in ClinVar:

ClinVar aggregate classification (germline): Likely pathogenic (1 of 4 stars; one submission).

Conditions:
Cornelia de Lange syndrome 1 (CDLS1). Also called: Brachmann de Lange syndrome; TYPUS DEGENERATIVUS AMSTELODAMENSIS; NIPBL-Related Cornelia de Lange Syndrome. Identifiers: Orphanet 199, MedGen C4551851, MONDO:0007387, OMIM 122470.

Submission:

Labcorp Genetics (formerly Invitae), Labcorp
Classification: Likely pathogenic for Cornelia de Lange syndrome 1. Last evaluated: 2016-10-31. Review status: criteria provided, single submitter. Criteria: Invitae Variant Classification Sherloc (09022015). Collection method: clinical testing. Allele origin: germline.
Comment: This variant is a gross deletion of the genomic region encompassing most of exons 37 to 39 of the NIPBL gene. The 5' breakpoint of this deletion is 3 nucleotides from the beginning of exon 37, and the 3' breakpoint is within intron 39. This deletion is expected to result in an absent or disrupted protein product. This variant has not been reported in the literature in individuals with a NIPBL-related disease. Multiple different missense substitutions (p.Leu2144Phe, p.Thr2146Pro, p.Leu2150Pro, p.Tyr2216Ser, p.Asn2236Ile) at codons within exons 37-39 have been classified as pathogenic (PMID: 17106445, 20358602, 15591270, 26701315, 24635725). This suggests that these residues are critical for NIPBL protein function, and that deletion of this region is deleterious. In summary, this is a novel deletion that eliminates important amino acid residues. This evidence indicates that the variant is pathogenic, but additional data is needed to prove that conclusively. Therefore, this variant has been classified as Likely Pathogenic.

NC_000005.10:g.(?_37045443)_(37048675_?)del

Gene: NIPBL (NIPBL cohesin loading factor; plus strand). Cytogenetic location: 5p13.2.
Variant type: Deletion.
Identifiers: ClinVar variation 476582 (VCV000476582.1).